The following is an entry in ClinVar:

ClinVar aggregate classification (germline): Likely pathogenic (1 of 4 stars; one submission).

Submission:

Labcorp Genetics (formerly Invitae), Labcorp
Classification: Likely pathogenic. Last evaluated: 2024-05-25. Review status: criteria provided, single submitter. Criteria: Invitae Variant Classification Sherloc (09022015). Collection method: clinical testing. Allele origin: germline.
Comment: This sequence change replaces glycine, which is neutral and non-polar, with arginine, which is basic and polar, at codon 933 of the COL4A1 protein (p.Gly933Arg). This variant is not present in population databases (gnomAD no frequency). This variant has not been reported in the literature in individuals affected with COL4A1-related conditions. An algorithm developed to predict the effect of missense changes on protein structure and function (PolyPhen-2) suggests that this variant is likely to be disruptive. This variant disrupts the triple helix domain of COL4A1. Glycine residues within the Gly-Xaa-Yaa repeats of the triple helix domain are required for the structure and stability of fibrillar collagens (PMID: 7695699, 8218237, 19344236). In COL4A1 variants affecting these glycine residues are significantly enriched in individuals with disease (PMID: 9016532, 17078022) compared to the general population (ExAC). In summary, the currently available evidence indicates that the variant is pathogenic, but additional data are needed to prove that conclusively. Therefore, this variant has been classified as Likely Pathogenic.

Literature cited by the submitters: PubMed 7695699; PubMed 8218237; PubMed 19344236; PubMed 9016532; PubMed 17078022.

NM_001845.6(COL4A1):c.2797G>C (p.Gly933Arg)

Gene: COL4A1 (collagen type IV alpha 1 chain; minus strand). Cytogenetic location: 13q34.
Variant type: single nucleotide variant.
Coding change: c.2797G>C on transcript NM_001845.6 (MANE Select); coding-DNA position 2797, G replaced by C.
Protein change: p.Gly933Arg; replaces glycine 933 with arginine.
Molecular consequence: missense variant.
Genome position (GRCh38, 1-based): chr13:110,176,957, C>G on the plus strand (G>C on the coding strand, the complement: COL4A1 is on the minus strand). VCF-style: chr13-110176957-C-G. GRCh37 (hg19) VCF-style: chr13-110829304-C-G.
Other names: short protein forms G933R.
Identifiers: ClinVar variation 3654551 (VCV003654551.2).